The following is an entry in ClinVar:

ClinVar aggregate classification (germline): Uncertain significance. Review status: criteria provided, multiple submitters, no conflicts (2 of 4 stars). 3 submissions from 3 submitters: Uncertain significance (3). Last evaluated 2023-08-04.

Allele frequency attached by ClinVar (database versions not stated): ExAC 0.00004; gnomAD 0.00004 and 0.00005; gnomAD exomes 0.00004 and 0.00007; TOPMed 0.00005.
gnomAD v4.1: 102 of 1,609,272 alleles (0.0063%); highest among the groups gnomAD compares: Non-Finnish European, 0.0078%; no homozygotes.

Submissions (3):

Blueprint Genetics
Classification: Uncertain significance. Last evaluated: 2023-08-04. Review status: criteria provided, single submitter. Criteria: ACMG Guidelines, 2015. Collection method: clinical testing. Allele origin: germline.

Labcorp Genetics (formerly Invitae), Labcorp
Classification: Uncertain significance. Last evaluated: 2021-10-27. Review status: criteria provided, single submitter. Criteria: Invitae Variant Classification Sherloc (09022015). Collection method: clinical testing. Allele origin: germline.
Comment: This sequence change falls in intron 7 of the DNAAF4 gene. It does not directly change the encoded amino acid sequence of the DNAAF4 protein. It affects a nucleotide within the consensus splice site. This variant is present in population databases (rs748763190, gnomAD 0.01%). This variant has not been reported in the literature in individuals affected with DNAAF4-related conditions. ClinVar contains an entry for this variant (Variation ID: 241834). Variants that disrupt the consensus splice site are a relatively common cause of aberrant splicing (PMID: 17576681, 9536098). Algorithms developed to predict the effect of sequence changes on RNA splicing suggest that this variant may disrupt the consensus splice site. In summary, the available evidence is currently insufficient to determine the role of this variant in disease. Therefore, it has been classified as a Variant of Uncertain Significance.

Breakthrough Genomics
Classification: Uncertain significance. Review status: criteria provided, single submitter. Criteria: ACMG Guidelines, 2015. Collection method: not provided. Allele origin: germline. Inheritance: Autosomal recessive inheritance. Affected: yes.

Literature cited by the submitters: PubMed 17576681 (cited by Labcorp Genetics (formerly Invitae), Labcorp); PubMed 9536098 (cited by Labcorp Genetics (formerly Invitae), Labcorp).

NM_130810.4(DNAAF4):c.893+5G>A

Genes: DNAAF4 (dynein axonemal assembly factor 4; minus strand), DNAAF4-CCPG1 (DNAAF4-CCPG1 readthrough (NMD candidate); minus strand). Cytogenetic location: 15q21.3.
Variant type: single nucleotide variant.
Coding change: c.893+5G>A on transcript NM_130810.4 (MANE Select); 5 bases into the intron after coding-DNA position 893, G replaced by A.
Molecular consequence: intron variant.
Genome position (GRCh38, 1-based): chr15:55,439,467, C>T on the plus strand (G>A on the coding strand, the complement: DNAAF4 is on the minus strand). VCF-style: chr15-55439467-C-T. GRCh37 (hg19) VCF-style: chr15-55731665-C-T.
Other names: c.893+5G>A (NM_001033560.2, NM_001033559.3).
Identifiers: ClinVar variation 241834 (VCV000241834.6), dbSNP rs748763190, ClinGen allele CA7574900.